The following is an entry in ClinVar:

NM_024334.3(TMEM43):c.645T>G (p.His215Gln)

Gene: TMEM43 (transmembrane protein 43; plus strand). Cytogenetic location: 3p25.1.
Variant type: single nucleotide variant.
Coding change: c.645T>G on transcript NM_024334.3 (MANE Select); coding-DNA position 645, T replaced by G.
Protein change: p.His215Gln; replaces histidine 215 with glutamine.
Molecular consequence: missense variant.
Genome position (GRCh38, 1-based): chr3:14,134,831, T>G. VCF-style: chr3-14134831-T-G. GRCh37 (hg19) VCF-style: chr3-14176331-T-G.
Other names: short protein forms H215Q.
Identifiers: ClinVar variation 850544 (VCV000850544.12), dbSNP rs370782259, ClinGen allele CA054712.

ClinVar aggregate classification (germline): Conflicting classifications of pathogenicity. Review status: criteria provided, conflicting classifications (1 of 4 stars). 4 submissions from 4 submitters: Uncertain significance (3); Likely benign (1). Last evaluated 2026-07-01.

Conditions:
Cardiovascular phenotype. Identifiers: MedGen CN230736.
Arrhythmogenic right ventricular dysplasia 5. Also called: Arrhythmogenic Right Ventricular Dysplasia/Cardiomyopathy 5; ARRHYTHMOGENIC RIGHT VENTRICULAR DYSPLASIA, FAMILIAL, 5. Identifiers: MedGen C1858379, MONDO:0011459, OMIM 604400.
Cardiomyopathy (CMYO). Also called: Cardiomyopathies. Identifiers: Orphanet 167848, MedGen C0878544, MONDO:0004994, HP:0001638. Inheritance: Various modes of inheritance.

Allele frequency attached by ClinVar (database versions not stated): ExAC 0.00002.

Submissions (4):

Ambry Genetics
Classification: Likely benign for Cardiovascular phenotype. Last evaluated: 2026-07-01. Review status: criteria provided, single submitter. Criteria: Ambry Variant Classification Scheme 2023. Collection method: clinical testing. Allele origin: germline.

Color Diagnostics, LLC DBA Color Health
Classification: Uncertain significance for Cardiomyopathy. Last evaluated: 2024-03-06. Review status: criteria provided, single submitter. Criteria: ACMG Guidelines, 2015. Collection method: clinical testing. Allele origin: germline.
Comment: This missense variant replaces histidine with glutamine at codon 215 of the TMEM43 protein. Computational prediction suggests that this variant may not impact protein structure and function (internally defined REVEL score threshold <= 0.5, PMID: 27666373). To our knowledge, functional studies have not been reported for this variant. This variant has not been reported in individuals affected with cardiovascular disorders in the literature. This variant has been identified in 5/251348 chromosomes in the general population by the Genome Aggregation Database (gnomAD). The available evidence is insufficient to determine the role of this variant in disease conclusively. Therefore, this variant is classified as a Variant of Uncertain Significance.

Labcorp Genetics (formerly Invitae), Labcorp
Classification: Uncertain significance for Arrhythmogenic right ventricular dysplasia 5. Last evaluated: 2024-02-20. Review status: criteria provided, single submitter. Criteria: Invitae Variant Classification Sherloc (09022015). Collection method: clinical testing. Allele origin: germline.
Comment: This sequence change replaces histidine, which is basic and polar, with glutamine, which is neutral and polar, at codon 215 of the TMEM43 protein (p.His215Gln). This variant is present in population databases (rs370782259, gnomAD 0.01%). This variant has not been reported in the literature in individuals affected with TMEM43-related conditions. ClinVar contains an entry for this variant (Variation ID: 850544). Advanced modeling of protein sequence and biophysical properties (such as structural, functional, and spatial information, amino acid conservation, physicochemical variation, residue mobility, and thermodynamic stability) performed at Invitae indicates that this missense variant is not expected to disrupt TMEM43 protein function with a negative predictive value of 80%. In summary, the available evidence is currently insufficient to determine the role of this variant in disease. Therefore, it has been classified as a Variant of Uncertain Significance.

All of Us Research Program, National Institutes of Health
Classification: Uncertain significance for Arrhythmogenic right ventricular dysplasia 5. Last evaluated: 2023-12-01. Review status: criteria provided, single submitter. Criteria: ACMG Guidelines, 2015. Collection method: clinical testing. Allele origin: germline. Inheritance: Autosomal dominant inheritance. Observed: 4 variant alleles, 4 heterozygotes.
Comment: This missense variant replaces histidine with glutamine at codon 215 of the TMEM43 protein. Computational prediction suggests that this variant may not impact protein structure and function (internally defined REVEL score threshold <= 0.5, PMID: 27666373). To our knowledge, functional studies have not been reported for this variant. This variant has not been reported in individuals affected with cardiovascular disorders in the literature. This variant has been identified in 5/251348 chromosomes in the general population by the Genome Aggregation Database (gnomAD). The available evidence is insufficient to determine the role of this variant in disease conclusively. Therefore, this variant is classified as a Variant of Uncertain Significance.

This study involves interpretation of variants in research participants for the purpose of population health screening. Participant phenotype was not available at the time of variant classification. Additional details can be found in publication PMID: 35346344, PMCID: PMC8962531